The following is an entry in ClinVar:

ClinVar aggregate classification (germline): Uncertain significance (1 of 4 stars; one submission).

gnomAD v4.1: 4 of 1,614,144 alleles (0.00025%); highest among the groups gnomAD compares: Non-Finnish European, 0.00034%; no homozygotes.

Submission:

GeneDx
Classification: Uncertain significance. Last evaluated: 2014-08-12. Review status: criteria provided, single submitter. Criteria: GeneDx Variant Classification (06012015). Collection method: clinical testing. Allele origin: germline. Affected: yes.
Comment: This variant is denoted ATM c.2501A>G at the cDNA level, p.Glu834Gly (E834G) at the protein level, and results in the change of a Glutamic Acid to a Glycine (GAA>GGA). This variant has not, to our knowledge, been published in the literature as pathogenic or benign. ATM Glu834Gly was not observed in approximately 6,500 individuals of European and African American ancestry in the NHLBI Exome Sequencing Project, indicating it is not a common benign variant in these populations. Since Glutamic Acid and Glycine differ in polarity, charge, size or other properties, this is considered a non-conservative amino acid substitution. ATM Glu834Gly occurs at a position that is conserved across species and is not located in a known functional domain. In silico analyses predict that this variant is unlikely to alter protein structure or function. Based on currently available information, it is unclear whether ATM Glu834Gly is pathogenic or benign. We consider it to be a variant of uncertain significance.

NM_000051.4(ATM):c.2501A>G (p.Glu834Gly)

Gene: ATM (ATM serine/threonine kinase; plus strand). Cytogenetic location: 11q22.3.
Variant type: single nucleotide variant.
Coding change: c.2501A>G on transcript NM_000051.4 (MANE Select); coding-DNA position 2501, A replaced by G.
Protein change: p.Glu834Gly; replaces glutamic acid 834 with glycine.
Molecular consequence: missense variant.
Genome position (GRCh38, 1-based): chr11:108,267,205, A>G. VCF-style: chr11-108267205-A-G. GRCh37 (hg19) VCF-style: chr11-108137932-A-G.
Other names: p.E834G:GAA>GGA; c.2501A>G, p.Glu834Gly (NM_001351834.2); short protein forms E834G.
Identifiers: ClinVar variation 181930 (VCV000181930.2), dbSNP rs730881349, ClinGen allele CA298170.